The following is an entry in ClinVar:

NM_003482.4(KMT2D):c.12463C>A (p.Pro4155Thr)

Gene: KMT2D (lysine methyltransferase 2D; minus strand). Cytogenetic location: 12q13.12.
Variant type: single nucleotide variant.
Coding change: c.12463C>A on transcript NM_003482.4 (MANE Select); coding-DNA position 12463, C replaced by A.
Protein change: p.Pro4155Thr; replaces proline 4155 with threonine.
Molecular consequence: missense variant.
Genome position (GRCh38, 1-based): chr12:49,032,242, G>T on the plus strand (C>A on the coding strand, the complement: KMT2D is on the minus strand). VCF-style: chr12-49032242-G-T. GRCh37 (hg19) VCF-style: chr12-49426025-G-T.
Other names: short protein forms P4155T.
Identifiers: ClinVar variation 2895971 (VCV002895971.3), dbSNP rs200413503, ClinGen allele CA6546207.

ClinVar aggregate classification (germline): Conflicting classifications of pathogenicity. Review status: criteria provided, conflicting classifications (1 of 4 stars). 2 submissions from 2 submitters: Uncertain significance (1); Benign (1). Last evaluated 2024-07-12.

Conditions:
Kabuki syndrome. Also called: NIIKAWA-KUROKI SYNDROME; Kabuki make-up syndrome. Identifiers: Orphanet 2322, MedGen C0796004, MONDO:0016512.

Allele frequency attached by ClinVar (database versions not stated): gnomAD 0.00001; TOPMed 0.00002; ExAC 0.00003; gnomAD exomes 0.00005; 1000 Genomes Project 0.00020; 1000 Genomes Project 30x 0.00031.
gnomAD v4.1: 69 of 1,613,862 alleles (0.0043%); highest among the groups gnomAD compares: Non-Finnish European, 0.0055%; no homozygotes.

Submissions (2):

Labcorp Genetics (formerly Invitae), Labcorp
Classification: Benign for Kabuki syndrome. Last evaluated: 2024-07-12. Review status: criteria provided, single submitter. Criteria: Invitae Variant Classification Sherloc (09022015). Collection method: clinical testing. Allele origin: germline.

ARUP Laboratories, Molecular Genetics and Genomics, ARUP Laboratories
Classification: Uncertain significance. Last evaluated: 2023-10-17. Review status: criteria provided, single submitter. Criteria: ARUP Molecular Germline Variant Investigation Process 2024. Collection method: clinical testing. Allele origin: germline.
Comment: The KMT2D c.12463C>A; p.Pro4155Thr variant (rs200413503) is reported in the literature in a family affected with ventricular septal defect (Izarzugaza 2020). This variant is found in the general population with an overall allele frequency of 0.003% (7/248742 alleles) in the Genome Aggregation Database. Computational analyses are uncertain whether this variant is neutral or deleterious (REVEL: 0.296). Due to limited information, the clinical significance of this variant is uncertain at this time. References: Izarzugaza JMG et al. Systems genetics analysis identifies calcium-signaling defects as novel cause of congenital heart disease. Genome Med. 2020 Aug 28;12(1):76. PMID: 32859249.